The following is an entry in ClinVar:

ClinVar aggregate classification (germline): Pathogenic/Likely pathogenic. Review status: criteria provided, multiple submitters, no conflicts (2 of 4 stars). 4 submissions from 4 submitters: Pathogenic (2); Likely pathogenic (2). Last evaluated 2025-05-19.

Conditions:
Tuberous sclerosis 2 (TSC2). Identifiers: Orphanet 805, MedGen C1860707, MONDO:0013199, OMIM 613254.

Submissions (4):

GeneDx
Classification: Pathogenic. Last evaluated: 2025-05-19. Review status: criteria provided, single submitter. Criteria: GeneDx Variant Classification Process June 2021. Collection method: clinical testing. Allele origin: germline. Affected: yes.
Comment: Identified in an individual with suspected suspected tuberous sclerosis complex (PMID: 32555378; LOVD Database); Frameshift variant predicted to result in abnormal protein length as the last 70 amino acids are replaced with 87 different amino acids, and other similar variants have been reported in HGMD; Not observed at significant frequency in large population cohorts (gnomAD); This variant is associated with the following publications: (PMID: 32555378)

Genome-Nilou Lab
Classification: Likely pathogenic for Tuberous sclerosis 2. Last evaluated: 2021-11-07. Review status: criteria provided, single submitter. Criteria: ACMG Guidelines, 2015. Collection method: clinical testing. Allele origin: germline. Affected: no.

Labcorp Genetics (formerly Invitae), Labcorp
Classification: Pathogenic for Tuberous sclerosis 2. Last evaluated: 2019-10-18. Review status: criteria provided, single submitter. Criteria: Invitae Variant Classification Sherloc (09022015). Collection method: clinical testing. Allele origin: germline.
Comment: For these reasons, this variant has been classified as Pathogenic. This variant disrupts the C-terminus of the TSC2 protein. Other variant(s) that disrupt this region (p.Trp1740*) have been determined to be pathogenic (PMID: 25782670, 12136241, Invitae). This suggests that variants that disrupt this region of the protein are likely to be causative of disease. This variant has not been reported in the literature in individuals with TSC2-related conditions. This variant is not present in population databases (ExAC no frequency). This sequence change results in a frameshift in the TSC2 gene (p.Ser1738Profs*88). While this is not anticipated to result in nonsense mediated decay, it is expected to disrupt the last 70 amino acids of the TSC2 protein and extend the protein by an additional 18 amino acids.

Mendelics
Classification: Likely pathogenic for Tuberous sclerosis 2. Last evaluated: 2019-05-28. Review status: criteria provided, single submitter. Criteria: Mendelics Assertion Criteria 2017. Collection method: clinical testing. Allele origin: unknown.

Literature cited by the submitters: PubMed 25782670 (cited by Labcorp Genetics (formerly Invitae), Labcorp); PubMed 12136241 (cited by Labcorp Genetics (formerly Invitae), Labcorp).

NM_000548.5(TSC2):c.5212del (p.Ser1738fs)

Gene: TSC2 (TSC complex subunit 2; plus strand). Cytogenetic location: 16p13.3.
Variant type: Deletion.
Coding change: c.5212del on transcript NM_000548.5 (MANE Select); coding-DNA position 5212, one base deleted (T; older notation c.5212delT).
Protein change: p.Ser1738fs; shifts the reading frame from serine 1738.
Molecular consequence: frameshift variant.
Genome position (GRCh38, 1-based): chr16:2,088,278, T deleted. VCF-style (leftmost placement, unchanged base first): chr16-2088277-CT-C. GRCh37 (hg19) VCF-style: chr16-2138278-CT-C.
Other names: c.5011del, p.Ser1671fs (NM_001077183.3); c.5143del, p.Ser1715fs (NM_001114382.3); c.4903del, p.Ser1635fs (NM_001318827.2); c.4867del, p.Ser1623fs (NM_001318829.2); c.4480del, p.Ser1494fs (NM_001318831.2); c.5044del, p.Ser1682fs (NM_001318832.2); c.5014del, p.Ser1672fs (NM_001363528.2); c.5080del, p.Ser1694fs (NM_001370404.1); and 2 more; short protein forms S1494fs, S1715fs, S1694fs, S1623fs, S1635fs, S1672fs, S1682fs, S1691fs.
Identifiers: ClinVar variation 803158 (VCV000803158.13), dbSNP rs1596460606, ClinGen allele CA915946266.